The following is an entry in ClinVar:

ClinVar aggregate classification (germline): Uncertain significance. Review status: criteria provided, multiple submitters, no conflicts (2 of 4 stars). 2 submissions from 2 submitters: Uncertain significance (2). Last evaluated 2025-11-18.

Conditions:
POLD1-related polyposis and colorectal cancer syndrome (CRCS10). Also called: Colorectal cancer, susceptibility to, 10; Colorectal cancer 10; COLORECTAL CANCER, SUSCEPTIBILITY TO, ON CHROMOSOME 19q. Identifiers: Orphanet 220460, MedGen C2675481, MONDO:0012953, OMIM 612591.
Hereditary cancer-predisposing syndrome. Also called: Neoplastic Syndromes, Hereditary; Tumor predisposition; Hereditary Cancer Syndrome; Hereditary neoplastic syndrome. Identifiers: Orphanet 140162, MedGen C0027672, MeSH D009386, MONDO:0015356.

gnomAD v4.1: 14 of 1,613,570 alleles (0.00087%); highest among the groups gnomAD compares: Non-Finnish European, 0.00017%; no homozygotes.

Submissions (2):

Labcorp Genetics (formerly Invitae), Labcorp
Classification: Uncertain significance for POLD1-related polyposis and colorectal cancer syndrome. Last evaluated: 2025-11-18. Review status: criteria provided, single submitter. Criteria: Invitae Variant Classification Sherloc (09022015). Collection method: clinical testing. Allele origin: germline.
Comment: This sequence change replaces leucine, which is neutral and non-polar, with proline, which is neutral and non-polar, at codon 188 of the POLD1 protein (p.Leu188Pro). This variant is present in population databases (rs768494581, gnomAD 0.02%). This variant has not been reported in the literature in individuals affected with POLD1-related conditions. ClinVar contains an entry for this variant (Variation ID: 2170393). Invitae Evidence Modeling of protein sequence and biophysical properties (such as structural, functional, and spatial information, amino acid conservation, physicochemical variation, residue mobility, and thermodynamic stability) indicates that this missense variant is not expected to disrupt POLD1 protein function with a negative predictive value of 80%. In summary, the available evidence is currently insufficient to determine the role of this variant in disease. Therefore, it has been classified as a Variant of Uncertain Significance.

Ambry Genetics
Classification: Uncertain significance for Hereditary cancer-predisposing syndrome. Last evaluated: 2025-03-03. Review status: criteria provided, single submitter. Criteria: Ambry Variant Classification Scheme 2023. Collection method: clinical testing. Allele origin: germline.
Comment: The p.L188P variant (also known as c.563T>C), located in coding exon 4 of the POLD1 gene, results from a T to C substitution at nucleotide position 563. The leucine at codon 188 is replaced by proline, an amino acid with similar properties. This amino acid position is well conserved in available vertebrate species. In addition, the in silico prediction for this alteration is inconclusive. Based on the available evidence, the clinical significance of this variant remains unclear.

NM_002691.4(POLD1):c.563T>C (p.Leu188Pro)

Gene: POLD1 (DNA polymerase delta 1, catalytic subunit; plus strand). Cytogenetic location: 19q13.33.
Variant type: single nucleotide variant.
Coding change: c.563T>C on transcript NM_002691.4 (MANE Select); coding-DNA position 563, T replaced by C.
Protein change: p.Leu188Pro; replaces leucine 188 with proline.
Molecular consequence: missense variant. On other transcripts: non-coding transcript variant (1).
Genome position (GRCh38, 1-based): chr19:50,402,098, T>C. VCF-style: chr19-50402098-T-C. GRCh37 (hg19) VCF-style: chr19-50905355-T-C.
Other names: c.563T>C, p.Leu188Pro (NM_001256849.1, NM_001308632.1); c.563T>C (NM_002691.2); short protein forms L188P.
Identifiers: ClinVar variation 2170393 (VCV002170393.5), dbSNP rs768494581, ClinGen allele CA9595796.